The following is an entry in ClinVar:

NM_000091.5(COL4A3):c.3247G>C (p.Gly1083Arg)

Genes: MFF-DT (MFF divergent transcript; minus strand), COL4A3 (collagen type IV alpha 3 chain; plus strand). Cytogenetic location: 2q36.3.
Variant type: single nucleotide variant.
Coding change: c.3247G>C on transcript NM_000091.5 (MANE Select); coding-DNA position 3247, G replaced by C.
Protein change: p.Gly1083Arg; replaces glycine 1083 with arginine.
Molecular consequence: missense variant.
Genome position (GRCh38, 1-based): chr2:227,293,227, G>C. VCF-style: chr2-227293227-G-C. GRCh37 (hg19) VCF-style: chr2-228157943-G-C.
Other names: c.3247G>C (NM_000091.4); short protein forms G1083R.
Identifiers: ClinVar variation 1342001 (VCV001342001.2), dbSNP rs2106226509, ClinGen allele CA350857369.
Genomic context (GRCh38, chr2:227,293,227, plus strand): 5'-TAAAGGTATTTGACTACATTTAAGGGGGATCCAGGACTGCCGGGTGATATGGGAAAGAAA[G>C]GAGAAATGGGGCAACCTGGCCCACCTGGACATTTGGGGCCTGCTGGACCTGAGGGAGCCC-3'
Protein context (NP_000082.2, residues 1073-1093): PGLPGDMGKK[Gly1083Arg]EMGQPGPPGH

ClinVar aggregate classification (germline): Conflicting classifications of pathogenicity. Review status: criteria provided, conflicting classifications (1 of 4 stars). 2 submissions from 2 submitters: Likely pathogenic (1); Uncertain significance (1). Last evaluated 2025-08-29.

Conditions:
Autosomal recessive Alport syndrome (ATS2). Also called: COL4A4 Alport Syndrome and Thin Basement Membrane Nephropathy; ALPORT SYNDROME 2, AUTOSOMAL RECESSIVE; Alport syndrome type 2; COL4A3-Related Nephropathy. Identifiers: Orphanet 63, Orphanet 88919, MedGen C4746745, MONDO:0008762, OMIM 203780.
Alport syndrome. Also called: Hemorrhagic familial nephritis; Hemorrhagic hereditary nephritis; Congenital hereditary hematuria. Identifiers: Orphanet 63, MedGen C1567741, MONDO:0018965.

Submissions (2):

Natera, Inc.
Classification: Likely pathogenic for Alport syndrome. Last evaluated: 2025-08-29. Review status: criteria provided, single submitter. Criteria: Natera Variant Classification Schema (03/2026). Collection method: clinical testing. Allele origin: germline.
Comment: The c.3247G>C variant in COL4A3 is a missense variant predicted to cause substitution of glycine to arginine at amino acid 1083. This variant is rare in the general population with a frequency below the threshold expected for the associated phenotype(s). This variant is located in a functionally critical region of the protein. Computational prediction algorithms indicate this variant is likely to affect gene or protein function. Given the available evidence, this variant is classified as Likely Pathogenic.

CENTOGENE GmbH and LLC - Guiding Precision Medicine
Classification: Uncertain significance for Autosomal recessive Alport syndrome. Last evaluated: 2022-02-21. Review status: criteria provided, single submitter. Criteria: ACMG Guidelines, 2015. Collection method: clinical testing. Allele origin: germline. Affected: yes.